The following is an entry in ClinVar:

ClinVar aggregate classification (germline): Conflicting classifications of pathogenicity. Review status: criteria provided, conflicting classifications (1 of 4 stars). 2 submissions from 2 submitters: Uncertain significance (1); Likely benign (1). Last evaluated 2024-07-11.

Conditions:
Mitochondrial DNA depletion syndrome, encephalomyopathic form with methylmalonic aciduria (MTDPS5). Also called: SUCLA2-Related Mitochondrial DNA Depletion Syndrome, Encephalomyopathic Form with Methylmalonic Aciduria; MITOCHONDRIAL DNA DEPLETION SYNDROME, ENCEPHALOMYOPATHIC FORM, WITH OR WITHOUT METHYLMALONIC ACIDURIA, AUTOSOMAL RECESSIVE, SUCLA2-RELATED; Mitochondrial encephalomyopathy aminoacidopathy; Mitochondrial DNA depletion syndrome 5 (encephalomyopathic with or without methylmalonic aciduria). Identifiers: Orphanet 1933, MedGen C5980207, MONDO:0012791, OMIM 612073.

Allele frequency attached by ClinVar (database versions not stated): gnomAD exomes below 0.00001; TOPMed 0.00002; gnomAD 0.00003.
gnomAD v4.1: 8 of 1,608,152 alleles (0.0005%); highest among the groups gnomAD compares: Middle Eastern, 0.017%; no homozygotes.

Submissions (2):

Blueprint Genetics
Classification: Likely benign. Last evaluated: 2024-07-11. Review status: criteria provided, single submitter. Criteria: ACMG Guidelines, 2015. Collection method: clinical testing. Allele origin: germline.

Labcorp Genetics (formerly Invitae), Labcorp
Classification: Uncertain significance for Mitochondrial DNA depletion syndrome, encephalomyopathic form with methylmalonic aciduria. Last evaluated: 2021-12-26. Review status: criteria provided, single submitter. Criteria: Invitae Variant Classification Sherloc (09022015). Collection method: clinical testing. Allele origin: germline.
Comment: This sequence change falls in intron 1 of the SUCLA2 gene. It does not directly change the encoded amino acid sequence of the SUCLA2 protein. It affects a nucleotide within the consensus splice site. This variant is not present in population databases (gnomAD no frequency). This variant has not been reported in the literature in individuals affected with SUCLA2-related conditions. Variants that disrupt the consensus splice site are a relatively common cause of aberrant splicing (PMID: 17576681, 9536098). Algorithms developed to predict the effect of sequence changes on RNA splicing suggest that this variant is not likely to affect RNA splicing. In summary, the available evidence is currently insufficient to determine the role of this variant in disease. Therefore, it has been classified as a Variant of Uncertain Significance.

Literature cited by the submitters: PubMed 17576681 (cited by Labcorp Genetics (formerly Invitae), Labcorp); PubMed 9536098 (cited by Labcorp Genetics (formerly Invitae), Labcorp).

NM_003850.3(SUCLA2):c.90+6G>A

Genes: SUCLA2 (succinate-CoA ligase ADP-forming subunit beta; minus strand), LOC130009747 (ATAC-STARR-seq lymphoblastoid active region 7719; plus strand). Cytogenetic location: 13q14.2.
Variant type: single nucleotide variant.
Coding change: c.90+6G>A on transcript NM_003850.3 (MANE Select); 6 bases into the intron after coding-DNA position 90, G replaced by A.
Molecular consequence: intron variant.
Genome position (GRCh38, 1-based): chr13:48,001,174, C>T on the plus strand (G>A on the coding strand, the complement: SUCLA2 is on the minus strand). VCF-style: chr13-48001174-C-T. GRCh37 (hg19) VCF-style: chr13-48575310-C-T.
Identifiers: ClinVar variation 2074825 (VCV002074825.2), dbSNP rs1051697976, ClinGen allele CA249283492.